The following is an entry in ClinVar:

NM_025081.3(NYNRIN):c.3676A>G (p.Thr1226Ala)

Gene: NYNRIN (NYN domain and retroviral integrase containing; plus strand). Cytogenetic location: 14q12.
Variant type: single nucleotide variant.
Coding change: c.3676A>G on transcript NM_025081.3 (MANE Select); coding-DNA position 3676, A replaced by G.
Protein change: p.Thr1226Ala; replaces threonine 1226 with alanine.
Molecular consequence: missense variant.
Genome position (GRCh38, 1-based): chr14:24,415,425, A>G. VCF-style: chr14-24415425-A-G. GRCh37 (hg19) VCF-style: chr14-24884631-A-G.
Other names: short protein forms T1226A.
Identifiers: ClinVar variation 3645425 (VCV003645425.2).

ClinVar aggregate classification (germline): Uncertain significance (1 of 4 stars; one submission).

gnomAD v4.1: 3 of 1,613,734 alleles (0.00019%); highest among the groups gnomAD compares: Admixed American, 0.005%; no homozygotes.

Submission:

Labcorp Genetics (formerly Invitae), Labcorp
Classification: Uncertain significance. Last evaluated: 2024-03-12. Review status: criteria provided, single submitter. Criteria: Invitae Variant Classification Sherloc (09022015). Collection method: clinical testing. Allele origin: germline.
Comment: This sequence change replaces threonine, which is neutral and polar, with alanine, which is neutral and non-polar, at codon 1226 of the NYNRIN protein (p.Thr1226Ala). This variant is present in population databases (no rsID available, gnomAD 0.009%). This variant has not been reported in the literature in individuals affected with NYNRIN-related conditions. Algorithms developed to predict the effect of missense changes on protein structure and function output the following: SIFT: "Not Available"; PolyPhen-2: "Not Available"; Align-GVGD: "Not Available". The alanine amino acid residue is found in multiple mammalian species, which suggests that this missense change does not adversely affect protein function. In summary, the available evidence is currently insufficient to determine the role of this variant in disease. Therefore, it has been classified as a Variant of Uncertain Significance.